The following is an entry in ClinVar:

NM_003705.5(SLC25A12):c.2015del (p.Ala672fs)

Gene: SLC25A12 (solute carrier family 25 member 12; minus strand). Cytogenetic location: 2q31.1.
Variant type: Deletion.
Coding change: c.2015del on transcript NM_003705.5 (MANE Select); coding-DNA position 2015, one base deleted (C; older notation c.2015delC).
Protein change: p.Ala672fs; shifts the reading frame from alanine 672.
Molecular consequence: frameshift variant. On other transcripts: non-coding transcript variant (1).
Genome position (GRCh38, 1-based): chr2:171,785,296, G deleted on the plus strand (C on the coding strand, the reverse complement: SLC25A12 is on the minus strand). VCF-style (leftmost placement, unchanged base first): chr2-171785295-TG-T. GRCh37 (hg19) VCF-style: chr2-172641805-TG-T.
Other names: c.2015del (NM_003705.4); c.2015delC (NM_003705.5); short protein forms A672fs.
Identifiers: ClinVar variation 406559 (VCV000406559.16), dbSNP rs780650245, ClinGen allele CA1965985.

ClinVar aggregate classification (germline): Conflicting classifications of pathogenicity. Review status: criteria provided, conflicting classifications (1 of 4 stars). 4 submissions from 4 submitters: Uncertain significance (2); Likely benign (2). Last evaluated 2026-01-05.

Conditions:
Developmental and epileptic encephalopathy, 39 (DEE39). Also called: DEVELOPMENTAL AND EPILEPTIC ENCEPHALOPATHY 39 WITH LEUKODYSTROPHY. Identifiers: Orphanet 353217, MedGen C2751855, MONDO:0013056, OMIM 612949.
Inborn genetic diseases. Identifiers: MedGen C0950123, MeSH D030342.

Allele frequency attached by ClinVar (database versions not stated): gnomAD exomes 0.00006 and 0.00015; ExAC 0.00015; gnomAD 0.00055 and 0.00058; ESP Exome Variant Server 0.00056; TOPMed 0.00072.

Submissions (4):

Labcorp Genetics (formerly Invitae), Labcorp
Classification: Likely benign. Last evaluated: 2026-01-05. Review status: criteria provided, single submitter. Criteria: Invitae Variant Classification Sherloc (09022015). Collection method: clinical testing. Allele origin: germline.

Women's Health and Genetics/Laboratory Corporation of America, LabCorp
Classification: Uncertain significance. Last evaluated: 2025-05-27. Review status: criteria provided, single submitter. Criteria: LabCorp Variant Classification Summary - May 2015. Collection method: clinical testing. Allele origin: germline.
Comment: Variant summary: SLC25A12 c.2015delC (p.Ala672GlufsX20) causes a frameshift which results in an extension of the protein. The variant allele was found at a frequency of 0.00015 in 251454 control chromosomes, predominantly at a frequency of 0.0022 within the African or African-American subpopulation in the gnomAD database. This frequency is similar to the estimated frequency for a pathogenic variant in SLC25A12 causing Developmental And Epileptic Encephalopathy, 39, suggesting a benign role for this variant. To our knowledge, no occurrence of c.2015delC in individuals affected with Developmental And Epileptic Encephalopathy, 39 and no experimental evidence demonstrating its impact on protein function have been reported. ClinVar contains an entry for this variant (Variation ID: 406559). Based on the evidence outlined above, the variant was classified as uncertain significance.

Ambry Genetics
Classification: Likely benign for Inborn genetic diseases. Last evaluated: 2022-02-28. Review status: criteria provided, single submitter. Criteria: Ambry Variant Classification Scheme 2023. Collection method: clinical testing. Allele origin: germline.

New York Genome Center
Classification: Uncertain significance for Developmental and epileptic encephalopathy, 39. Last evaluated: 2020-03-26. Review status: criteria provided, single submitter. Criteria: NYGC Assertion Criteria 2020. Collection method: clinical testing. Allele origin: germline. Observed: 1 heterozygote. Study: CSER-NYCKidSeq.